The following is an entry in ClinVar:

NM_005068.3(SIM1):c.1307A>G (p.Tyr436Cys)

Genes: SIM1 (SIM bHLH transcription factor 1; minus strand), SIM1-AS1 (SIM1 antisense RNA 1; plus strand). Cytogenetic location: 6q16.3.
Variant type: single nucleotide variant.
Coding change: c.1307A>G on transcript NM_005068.3 (MANE Select); coding-DNA position 1307, A replaced by G.
Protein change: p.Tyr436Cys; replaces tyrosine 436 with cysteine.
Molecular consequence: missense variant.
Genome position (GRCh38, 1-based): chr6:100,393,750, T>C on the plus strand (A>G on the coding strand, the complement: SIM1 is on the minus strand). VCF-style: chr6-100393750-T-C. GRCh37 (hg19) VCF-style: chr6-100841626-T-C.
Other names: c.1307A>G, p.Tyr436Cys (NM_001374769.1); short protein forms Y436C.
Identifiers: ClinVar variation 2228607 (VCV002228607.3), dbSNP rs773624275, ClinGen allele CA3937049.

ClinVar aggregate classification (germline): Uncertain significance. Review status: criteria provided, multiple submitters, no conflicts (2 of 4 stars). 2 submissions from 2 submitters: Uncertain significance (2). Last evaluated 2025-12-19.

Conditions:
Inborn genetic diseases. Identifiers: MedGen C0950123, MeSH D030342.

Allele frequency attached by ClinVar (database versions not stated): ExAC 0.00001; TOPMed 0.00001.
gnomAD v4.1: 14 of 1,614,208 alleles (0.00087%); highest among the groups gnomAD compares: Admixed American, 0.018%; no homozygotes.

Submissions (2):

Labcorp Genetics (formerly Invitae), Labcorp
Classification: Uncertain significance. Last evaluated: 2025-12-19. Review status: criteria provided, single submitter. Criteria: Invitae Variant Classification Sherloc (09022015). Collection method: clinical testing. Allele origin: germline.
Comment: This sequence change replaces tyrosine, which is neutral and polar, with cysteine, which is neutral and slightly polar, at codon 436 of the SIM1 protein (p.Tyr436Cys). This variant is present in population databases (rs773624275, gnomAD 0.02%). This variant has not been reported in the literature in individuals affected with SIM1-related conditions. ClinVar contains an entry for this variant (Variation ID: 2228607). An algorithm developed to predict the effect of missense changes on protein structure and function (PolyPhen-2) suggests that this variant is likely to be tolerated. In summary, the available evidence is currently insufficient to determine the role of this variant in disease. Therefore, it has been classified as a Variant of Uncertain Significance.

Ambry Genetics
Classification: Uncertain significance for Inborn genetic diseases. Last evaluated: 2021-08-13. Review status: criteria provided, single submitter. Criteria: Ambry Variant Classification Scheme 2023. Collection method: clinical testing. Allele origin: germline.